The following is an entry in ClinVar:

NM_001371596.2(MFSD8):c.1310C>A (p.Ser437Tyr)

Gene: MFSD8 (major facilitator superfamily domain containing 8; minus strand). Cytogenetic location: 4q28.2.
Variant type: single nucleotide variant.
Coding change: c.1310C>A on transcript NM_001371596.2 (MANE Select); coding-DNA position 1310, C replaced by A.
Protein change: p.Ser437Tyr; replaces serine 437 with tyrosine.
Molecular consequence: missense variant.
Genome position (GRCh38, 1-based): chr4:127,921,564, G>T on the plus strand (C>A on the coding strand, the complement: MFSD8 is on the minus strand). VCF-style: chr4-127921564-G-T. GRCh37 (hg19) VCF-style: chr4-128842719-G-T.
Other names: c.1109C>A, p.Ser370Tyr (NM_001363520.3); c.995C>A, p.Ser332Tyr (NM_001363521.3); c.1175C>A, p.Ser392Tyr (NM_001371590.2); c.1310C>A, p.Ser437Tyr (NM_001371591.2, NM_152778.4); c.1316C>A, p.Ser439Tyr (NM_001371592.2); c.1196C>A, p.Ser399Tyr (NM_001371593.2); c.1163C>A, p.Ser388Tyr (NM_001371594.2); c.1028C>A, p.Ser343Tyr (NM_001371595.1); and 2 more; short protein forms S332Y, S343Y, S370Y, S388Y, S392Y, S399Y, S437Y, S439Y.
Identifiers: ClinVar variation 1026836 (VCV001026836.4), dbSNP rs1464046484, ClinGen allele CA358170980.
Genomic context (GRCh38, chr4:127,921,564, plus strand): 5'-TGTCAGGGTACCTGGCTTACCTGAGGTTTTGGTCCTAGAATTTTTGAATATAGAGTATAG[G>T]ACATAAGATTGCAGACTGGATAGCCTAATCCTATTAGCACAGCTGATGTAAGGAACTGGG-3'
Protein context (NP_001358525.1, residues 427-447): GLGYPVCNLM[Ser437Tyr]YTLYSKILGP

ClinVar aggregate classification (germline): Uncertain significance. Review status: criteria provided, single submitter (1 of 4 stars). 2 submissions from 2 submitters: Uncertain significance (1). 1 of the submissions does not count toward it. Last evaluated 2021-09-02.

Conditions:
Late-infantile neuronal ceroid lipofuscinosis. Also called: Jansky-Bielschowsky disease. Identifiers: MedGen C0022340, MONDO:0015674.
Neuronal ceroid lipofuscinosis 7 (CLN7). Also called: MFSD8-Related Neuronal Ceroid-Lipofuscinosis. Identifiers: Orphanet 168491, Orphanet 228366, MedGen C1838571, MONDO:0012588, OMIM 610951.

Allele frequency attached by ClinVar (database versions not stated): gnomAD exomes below 0.00001 and 0.00001; TOPMed 0.00001.
gnomAD v4.1: 10 of 1,614,140 alleles (0.00062%); highest among the groups gnomAD compares: African/African-American, 0.0013%; no homozygotes.

Submissions (2):

Labcorp Genetics (formerly Invitae), Labcorp
Classification: Uncertain significance for Neuronal ceroid lipofuscinosis 7. Last evaluated: 2021-09-02. Review status: criteria provided, single submitter. Criteria: Invitae Variant Classification Sherloc (09022015). Collection method: clinical testing. Allele origin: germline.
Comment: This sequence change replaces serine with tyrosine at codon 437 of the MFSD8 protein (p.Ser437Tyr). The serine residue is moderately conserved and there is a large physicochemical difference between serine and tyrosine. This variant is not present in population databases (ExAC no frequency). This variant has not been reported in the literature in individuals affected with MFSD8-related conditions. Algorithms developed to predict the effect of missense changes on protein structure and function are either unavailable or do not agree on the potential impact of this missense change (SIFT: "Deleterious"; PolyPhen-2: "Probably Damaging"; Align-GVGD: "Class C0"). In summary, the available evidence is currently insufficient to determine the role of this variant in disease. Therefore, it has been classified as a Variant of Uncertain Significance.

Natera, Inc.
Classification: Uncertain significance for Late-infantile neuronal ceroid lipofuscinosis. Last evaluated: 2020-05-12. Review status: no assertion criteria provided. Collection method: clinical testing. Allele origin: germline. Not counted in ClinVar's aggregate classification.